The following is an entry in ClinVar:

ClinVar aggregate classification (germline): Uncertain significance (1 of 4 stars; one submission).

Submission:

Women's Health and Genetics/Laboratory Corporation of America, LabCorp
Classification: Uncertain significance. Last evaluated: 2024-12-04. Review status: criteria provided, single submitter. Criteria: LabCorp Variant Classification Summary - May 2015. Collection method: clinical testing. Allele origin: germline.
Comment: Variant summary: SOX3 c.259C>T (p.Pro87Ser) results in a non-conservative amino acid change in the encoded protein sequence. Three of five in-silico tools predict a damaging effect of the variant on protein function. The variant allele was found at a frequency of 8.5e-06 in 117161 control chromosomes. The available data on variant occurrences in the general population are insufficient to allow any conclusion about variant significance. To our knowledge, no occurrence of c.259C>T in individuals affected with SOX3-Related Disorders and no experimental evidence demonstrating its impact on protein function have been reported. No submitters have cited clinical-significance assessments for this variant to ClinVar. Based on the evidence outlined above, the variant was classified as uncertain significance.

NM_005634.3(SOX3):c.259C>T (p.Pro87Ser)

Genes: SOX3 (SRY-box transcription factor 3; minus strand), LOC108281134 (SOX3 promoter region; plus strand). Cytogenetic location: Xq27.1.
Variant type: single nucleotide variant.
Coding change: c.259C>T on transcript NM_005634.3 (MANE Select); coding-DNA position 259, C replaced by T.
Protein change: p.Pro87Ser; replaces proline 87 with serine.
Molecular consequence: missense variant.
Genome position (GRCh38, 1-based): chrX:140,504,802, G>A on the plus strand (C>T on the coding strand, the complement: SOX3 is on the minus strand). VCF-style: chrX-140504802-G-A. GRCh37 (hg19) VCF-style: chrX-139586967-G-A.
Other names: short protein forms P87S.
Identifiers: ClinVar variation 3768276 (VCV003768276.1).
Genomic context (GRCh38, chrX:140,504,802, plus strand): 5'-CTGCGCCTCCCGGGGCTGCGGGGCCGCCGGTGCCCGCCGCTTGTGTGGGTGTCCCTACGG[G>A]GTTCTTGAGTTCAGTCTCCAGAAGGCTGTACATTGCCGGGGCGGGAAGAAGGTGCGCCAG-3'
Protein context (NP_005625.2, residues 77-97): YSLLETELKN[Pro87Ser]VGTPTQAAGT